The following is an entry in ClinVar:

ClinVar aggregate classification (germline): Uncertain significance (1 of 4 stars; one submission).

Submission:

GeneDx
Classification: Uncertain significance. Last evaluated: 2017-11-02. Review status: criteria provided, single submitter. Criteria: GeneDx Variant Classification (06012015). Collection method: clinical testing. Allele origin: germline. Affected: yes.
Comment: A variant of uncertain significance has been identified in the WWOX gene. This variant has not beenpublished as a pathogenic variant, nor has it been reported as a benign variant to our knowledge. The c.1207_1208delAG variant is not observed in large population cohorts (Lek et al., 2016). Thec.1207_1208delAG variant causes a frameshift starting with codon Arginine 403, changes this aminoacid to an Alanine residue and creates a Stop codon at position 125 of the new reading frame, denoted p.Arg403AlafsX125. This variant is predicted to cause a protein extension, as the last 12 amino acids are replaced by 124 incorrect amino acids. However, other truncating variants downstream of this position have not been reported in the WWOX gene in association with WWOX-related disorders (Stenson et al., 2014). Therefore, based on the currently available information, it is unclear whether this variant is a pathogenic variant or a rare benign variant.

NM_016373.4(WWOX):c.1207_1208del (p.Arg403fs)

Genes: MAF (MAF bZIP transcription factor; minus strand), WWOX (WW domain containing oxidoreductase; plus strand). Cytogenetic location: 16q23.2.
Variant type: Microsatellite.
Coding change: c.1207_1208del on transcript NM_016373.4 (MANE Select); coding-DNA positions 1207 to 1208, 2 bases deleted (AG; older notation c.1207_1208delAG).
Protein change: p.Arg403fs; shifts the reading frame from arginine 403.
Molecular consequence: frameshift variant.
Genome position (GRCh38, 1-based): chr16:79,211,758-79,211,759, AG deleted; deleting any 2 consecutive bases within chr16:79,211,755-79,211,759 gives the same sequence; the c. name uses the placement nearest the transcript's 3' end. VCF-style (leftmost placement, unchanged base first): chr16-79211754-CGA-C. GRCh37 (hg19) VCF-style: chr16-79245651-CGA-C.
Other names: c.868_869del, p.Arg290fs (NM_001291997.2); short protein forms R403fs, R290fs.
Identifiers: ClinVar variation 453107 (VCV000453107.2), dbSNP rs1555548036, ClinGen allele CA658658503.